The following is an entry in ClinVar:

NM_183357.3(ADCY5):c.3327+3G>A

Gene: ADCY5 (adenylate cyclase 5; minus strand). Cytogenetic location: 3q21.1.
Variant type: single nucleotide variant.
Coding change: c.3327+3G>A on transcript NM_183357.3 (MANE Select); 3 bases into the intron after coding-DNA position 3327, G replaced by A.
Molecular consequence: intron variant.
Genome position (GRCh38, 1-based): chr3:123,291,110, C>T on the plus strand (G>A on the coding strand, the complement: ADCY5 is on the minus strand). VCF-style: chr3-123291110-C-T. GRCh37 (hg19) VCF-style: chr3-123009957-C-T.
Other names: c.3402+3G>A (NM_001378259.1); c.2277+3G>A (NM_001199642.1).
Identifiers: ClinVar variation 5039393 (VCV005039393.1).
Genomic context (GRCh38, chr3:123,291,110, plus strand): 5'-CCCATACCAGGGACTTGTAGGCCCCTCCCAGGAACACAGCCTGACCCAGGCCCCGCTGTG[C>T]ACCTCATCAAAGTCAGCGATGATCTCATTGAGTAGCCGCAGGCACTCGACACCCTCGTTG-3'

ClinVar aggregate classification (germline): Uncertain significance (1 of 4 stars; one submission).

gnomAD v4.1: 4 of 1,610,112 alleles (0.00025%); highest among the groups gnomAD compares: East Asian, 0.0089%; no homozygotes.

Submission:

CeGaT Center for Human Genetics Tuebingen
Classification: Uncertain significance. Last evaluated: 2026-07-01. Review status: criteria provided, single submitter. Criteria: CeGaT Center For Human Genetics Tuebingen Variant Classification Criteria Version 2. Collection method: clinical testing. Allele origin: germline. Affected: yes. Observed: 1 variant allele.
Comment: ADCY5: PM2, BP4